The following is an entry in ClinVar:

ClinVar aggregate classification (germline): Uncertain significance (1 of 4 stars; one submission).

Conditions:
Combined immunodeficiency due to LRBA deficiency. Also called: Common variable immunodeficiency 8, with autoimmunity. Identifiers: Orphanet 445018, MedGen C3553512, MONDO:0013863, OMIM 614700.

Allele frequency attached by ClinVar (database versions not stated): ExAC 0.00001; TOPMed 0.00002; gnomAD 0.00001; ESP Exome Variant Server 0.00008.
gnomAD v4.1: 3 of 1,572,004 alleles (0.00019%); highest among the groups gnomAD compares: Admixed American, 0.0039%; no homozygotes.

Submission:

Labcorp Genetics (formerly Invitae), Labcorp
Classification: Uncertain significance for Combined immunodeficiency due to LRBA deficiency. Last evaluated: 2024-01-09. Review status: criteria provided, single submitter. Criteria: Invitae Variant Classification Sherloc (09022015). Collection method: clinical testing. Allele origin: germline.
Comment: This sequence change falls in intron 7 of the LRBA gene. It does not directly change the encoded amino acid sequence of the LRBA protein. This variant is present in population databases (rs370616945, gnomAD 0.008%). This variant has not been reported in the literature in individuals affected with LRBA-related conditions. Algorithms developed to predict the effect of sequence changes on RNA splicing suggest that this variant may disrupt the consensus splice site. In summary, the available evidence is currently insufficient to determine the role of this variant in disease. Therefore, it has been classified as a Variant of Uncertain Significance.

NM_001364905.1(LRBA):c.895-18T>A

Gene: LRBA (LPS responsive beige-like anchor protein; minus strand). Cytogenetic location: 4q31.3.
Variant type: single nucleotide variant.
Coding change: c.895-18T>A on transcript NM_001364905.1 (MANE Select); 18 bases into the intron before coding-DNA position 895, T replaced by A.
Molecular consequence: intron variant.
Genome position (GRCh38, 1-based): chr4:150,915,745, A>T on the plus strand (T>A on the coding strand, the complement: LRBA is on the minus strand). VCF-style: chr4-150915745-A-T. GRCh37 (hg19) VCF-style: chr4-151836897-A-T.
Other names: c.895-18T>A (NM_001367550.1, NM_006726.5, NM_001199282.3 and 2 more transcripts).
Identifiers: ClinVar variation 2904923 (VCV002904923.2), dbSNP rs370616945, ClinGen allele CA3103725.